The following is an entry in ClinVar:

NM_001136472.2(LITAF):c.470C>G (p.Thr157Ser)

Gene: LITAF (lipopolysaccharide induced TNF factor; minus strand). Cytogenetic location: 16p13.13.
Variant type: single nucleotide variant.
Coding change: c.470C>G on transcript NM_001136472.2 (MANE Select); coding-DNA position 470, C replaced by G.
Protein change: p.Thr157Ser; replaces threonine 157 with serine.
Molecular consequence: missense variant. On other transcripts: 3 prime UTR variant (1), non-coding transcript variant (1).
Genome position (GRCh38, 1-based): chr16:11,549,653, G>C on the plus strand (C>G on the coding strand, the complement: LITAF is on the minus strand). VCF-style: chr16-11549653-G-C. GRCh37 (hg19) VCF-style: chr16-11643509-G-C.
Other names: c.*109C>G (NM_001136473.1); c.470C>G, p.Thr157Ser (NM_004862.4); short protein forms T157S.
Identifiers: ClinVar variation 2828804 (VCV002828804.3), dbSNP rs2506541390, ClinGen allele CA394763162.

ClinVar aggregate classification (germline): Uncertain significance (1 of 4 stars; one submission).

Conditions:
Charcot-Marie-Tooth disease type 1C. Also called: CMT, SLOW NERVE CONDUCTION TYPE C; CHARCOT-MARIE-TOOTH NEUROPATHY, TYPE 1C; NEUROPATHY, HEREDITARY MOTOR AND SENSORY, TYPE IC; CHARCOT-MARIE-TOOTH DISEASE, DEMYELINATING, TYPE 1C; HMSN IC; Charcot-Marie-Tooth disease, type IC. Identifiers: Orphanet 101083, MedGen C0270913, MONDO:0010995, OMIM 601098.

Submission:

Labcorp Genetics (formerly Invitae), Labcorp
Classification: Uncertain significance for Charcot-Marie-Tooth disease type 1C. Last evaluated: 2023-01-15. Review status: criteria provided, single submitter. Criteria: Invitae Variant Classification Sherloc (09022015). Collection method: clinical testing. Allele origin: germline.
Comment: In summary, the available evidence is currently insufficient to determine the role of this variant in disease. Therefore, it has been classified as a Variant of Uncertain Significance. Algorithms developed to predict the effect of missense changes on protein structure and function (SIFT, PolyPhen-2, Align-GVGD) all suggest that this variant is likely to be tolerated. This variant has not been reported in the literature in individuals affected with LITAF-related conditions. This variant is not present in population databases (gnomAD no frequency). This sequence change replaces threonine, which is neutral and polar, with serine, which is neutral and polar, at codon 157 of the LITAF protein (p.Thr157Ser).